The following is an entry in ClinVar:

NM_013339.4(ALG6):c.-136C>G

Gene: ALG6 (ALG6 alpha-1,3-glucosyltransferase; plus strand). Cytogenetic location: 1p31.3.
Variant type: single nucleotide variant.
Coding change: c.-136C>G on transcript NM_013339.4 (MANE Select); 136 bases upstream of the start codon, C replaced by G.
Molecular consequence: 5 prime UTR variant.
Genome position (GRCh38, 1-based): chr1:63,370,842, C>G. VCF-style: chr1-63370842-C-G. GRCh37 (hg19) VCF-style: chr1-63836513-C-G.
Other names: c.-136C>G (LRG_1260t1).
Identifiers: ClinVar variation 297843 (VCV000297843.8), dbSNP rs34542411, ClinGen allele CA10610602.

ClinVar aggregate classification (germline): Benign. Review status: criteria provided, multiple submitters, no conflicts (2 of 4 stars). 3 submissions from 3 submitters: Benign (3). Last evaluated 2018-06-23.

Conditions:
ALG6-congenital disorder of glycosylation 1C (CDG1C). Also called: CDG Ic; CARBOHYDRATE-DEFICIENT GLYCOPROTEIN SYNDROME, TYPE I, WITH DEFICIENT GLYCOSYLATION OF DOLICHOL-LINKED OLIGOSACCHARIDE; CARBOHYDRATE-DEFICIENT GLYCOPROTEIN SYNDROME, TYPE V; Congenital disorder of glycosylation type 1C; Congenital disorder of glycosylation, type Ic. Identifiers: Orphanet 79320, MedGen C2930997, MONDO:0011291, OMIM 603147.

Allele frequency attached by ClinVar (database versions not stated): gnomAD exomes 0.19395; gnomAD 0.20060 and 0.20075; 1000 Genomes Project 0.20527; 1000 Genomes Project 30x 0.20659; TOPMed 0.20827.
gnomAD v4.1: 139,916 of 714,454 alleles (20%); highest among the groups gnomAD compares: Middle Eastern, 29%; 14,284 homozygotes.

Submissions (3):

GeneDx
Classification: Benign. Last evaluated: 2018-06-23. Review status: criteria provided, single submitter. Criteria: GeneDx Variant Classification Process June 2021. Collection method: clinical testing. Allele origin: germline. Affected: yes.

Illumina Laboratory Services, Illumina
Classification: Benign for ALG6-congenital disorder of glycosylation 1C. Last evaluated: 2018-01-13. Review status: criteria provided, single submitter. Criteria: ICSL Variant Classification Criteria 13 December 2019. Collection method: clinical testing. Allele origin: germline.
Comment: This variant was observed in the ICSL laboratory as part of a predisposition screen in an ostensibly healthy population. It had not been previously curated by ICSL or reported in the Human Gene Mutation Database (HGMD: prior to June 1st, 2018), and was therefore a candidate for classification through an automated scoring system. Utilizing variant allele frequency, disease prevalence and penetrance estimates, and inheritance mode, an automated score was calculated to assess if this variant is too frequent to cause the disease. Based on the score and internal cut-off values, a variant classified as benign is not then subjected to further curation. The score for this variant resulted in a classification of benign for this disease.

Breakthrough Genomics
Classification: Benign. Review status: criteria provided, single submitter. Criteria: ACMG Guidelines, 2015. Collection method: not provided. Allele origin: germline. Inheritance: Autosomal recessive inheritance. Affected: yes.